The following is an entry in ClinVar:

NM_000038.6(APC):c.1158_1159dup (p.Leu387fs)

Gene: APC (APC regulator of Wnt signaling pathway; plus strand). Cytogenetic location: 5q22.2.
Variant type: Duplication.
Coding change: c.1158_1159dup on transcript NM_000038.6 (MANE Select); coding-DNA positions 1158 to 1159, 2 bases duplicated (AC; older notation c.1158_1159dupAC).
Protein change: p.Leu387fs; shifts the reading frame from leucine 387.
Molecular consequence: frameshift variant. On other transcripts: intron variant (4).
Genome position (GRCh38, 1-based): chr5:112,819,190-112,819,191, AC duplicated; duplicating any 2 consecutive bases within chr5:112,819,189-112,819,191 gives the same sequence; the c. name uses the placement nearest the transcript's 3' end. VCF-style (leftmost placement, unchanged base first): chr5-112819188-G-GCA. GRCh37 (hg19) VCF-style: chr5-112154885-G-GCA.
Other names: c.1158_1159dup, p.Leu387fs (NM_001127510.3, NM_001354895.2, NM_001354896.2); c.1104_1105dup, p.Leu369fs (NM_001127511.3); c.1188_1189dup, p.Leu397fs (NM_001354897.2); c.1083_1084dup, p.Leu362fs (NM_001354898.2); c.1074_1075dup, p.Leu359fs (NM_001354899.2); c.981_982dup, p.Leu328fs (NM_001354900.2, NM_001354901.2); c.309_310dup, p.Leu104fs (NM_001354906.2); c.964-79_964-78dup (NM_001354902.2); and 3 more; short protein forms L328fs, L359fs, L387fs, L397fs, L104fs, L362fs, L369fs.
Identifiers: ClinVar variation 1454076 (VCV001454076.7), dbSNP rs2149781846, ClinGen allele CA2573138822.

ClinVar aggregate classification (germline): Pathogenic. Review status: criteria provided, multiple submitters, no conflicts (2 of 4 stars). 2 submissions from 2 submitters: Pathogenic (2). Last evaluated 2023-04-28.

Conditions:
Familial adenomatous polyposis 1 (FAP1). Also called: POLYPOSIS, ADENOMATOUS INTESTINAL; FAMILIAL ADENOMATOUS POLYPOSIS 1, ATTENUATED. Identifiers: MedGen C2713442, MONDO:0021056, OMIM 175100. Disease mechanism: loss of function.

Submissions (2):

Myriad Genetics, Inc.
Classification: Pathogenic for Familial adenomatous polyposis 1. Last evaluated: 2023-04-28. Review status: criteria provided, single submitter. Criteria: Myriad Autosomal Dominant, Autosomal Recessive and X-Linked Classification Criteria (2023). Collection method: clinical testing. Allele origin: unknown.
Comment: This variant is considered pathogenic. This variant creates a frameshift predicted to result in premature protein truncation.

Labcorp Genetics (formerly Invitae), Labcorp
Classification: Pathogenic for Familial adenomatous polyposis 1. Last evaluated: 2022-02-09. Review status: criteria provided, single submitter. Criteria: Invitae Variant Classification Sherloc (09022015). Collection method: clinical testing. Allele origin: germline.
Comment: For these reasons, this variant has been classified as Pathogenic. This premature translational stop signal has been observed in individual(s) with clinical features of familial adenomatous polyposis (PMID: 23159591). This variant is not present in population databases (gnomAD no frequency). This sequence change creates a premature translational stop signal (p.Leu387Hisfs*68) in the APC gene. It is expected to result in an absent or disrupted protein product. Loss-of-function variants in APC are known to be pathogenic (PMID: 17963004, 20685668).

Literature cited by the submitters: PubMed 23159591 (cited by Labcorp Genetics (formerly Invitae), Labcorp); PubMed 17963004 (cited by Labcorp Genetics (formerly Invitae), Labcorp); PubMed 20685668 (cited by Labcorp Genetics (formerly Invitae), Labcorp).